The following is an entry in ClinVar:

ClinVar aggregate classification (germline): Likely benign (1 of 4 stars; one submission).

Allele frequency attached by ClinVar (database versions not stated): gnomAD exomes below 0.00001.
gnomAD v4.1: 2 of 1,613,440 alleles (0.00012%); highest among the groups gnomAD compares: Non-Finnish European, 0.00017%; no homozygotes.

Submission:

CeGaT Center for Human Genetics Tuebingen
Classification: Likely benign. Last evaluated: 2022-12-01. Review status: criteria provided, single submitter. Criteria: CeGaT Center For Human Genetics Tuebingen Variant Classification Criteria Version 2. Collection method: clinical testing. Allele origin: germline. Affected: yes. Observed: 1 variant allele.
Comment: FOXP2: BP4, BP7

NM_014491.4(FOXP2):c.2043G>A (p.Glu681=)

Gene: FOXP2 (forkhead box P2; plus strand). Cytogenetic location: 7q31.1.
Variant type: single nucleotide variant.
Coding change: c.2043G>A on transcript NM_014491.4 (MANE Select); coding-DNA position 2043, G replaced by A.
Protein change: p.Glu681=; no amino-acid change (glutamic acid 681 retained).
Molecular consequence: synonymous variant. On other transcripts: non-coding transcript variant (2).
Genome position (GRCh38, 1-based): chr7:114,689,821, G>A. VCF-style: chr7-114689821-G-A. GRCh37 (hg19) VCF-style: chr7-114329876-G-A.
Other names: c.2094G>A, p.Glu698= (NM_148900.4); c.2040G>A, p.Glu680= (NM_001172766.3); c.2118G>A, p.Glu706= (NM_148898.4).
Identifiers: ClinVar variation 2657956 (VCV002657956.22), dbSNP rs1303320284, ClinGen allele CA457293572.